The following is an entry in ClinVar:

NM_003047.5(SLC9A1):c.937G>A (p.Gly313Arg)

Gene: SLC9A1 (solute carrier family 9 member A1; minus strand). Cytogenetic location: 1p36.11.
Variant type: single nucleotide variant.
Coding change: c.937G>A on transcript NM_003047.5 (MANE Select); coding-DNA position 937, G replaced by A.
Protein change: p.Gly313Arg; replaces glycine 313 with arginine.
Molecular consequence: missense variant. On other transcripts: non-coding transcript variant (1).
Genome position (GRCh38, 1-based): chr1:27,109,654, C>T on the plus strand (G>A on the coding strand, the complement: SLC9A1 is on the minus strand). VCF-style: chr1-27109654-C-T. GRCh37 (hg19) VCF-style: chr1-27436145-C-T.
Other names: c.937G>A (NM_003047.3); short protein forms G313R.
Identifiers: ClinVar variation 1302279 (VCV001302279.5), dbSNP rs2124146777, ClinGen allele CA339187452.

ClinVar aggregate classification (germline): Uncertain significance. Review status: criteria provided, multiple submitters, no conflicts (2 of 4 stars). 2 submissions from 2 submitters: Uncertain significance (2). Last evaluated 2023-01-23.

Allele frequency attached by ClinVar (database versions not stated): gnomAD exomes below 0.00001.

Submissions (2):

Ambry Genetics
Classification: Uncertain significance. Last evaluated: 2023-01-23. Review status: criteria provided, single submitter. Criteria: Ambry Variant Classification Scheme 2023. Collection method: clinical testing. Allele origin: germline.

GeneDx
Classification: Uncertain significance. Last evaluated: 2022-05-17. Review status: criteria provided, single submitter. Criteria: GeneDx Variant Classification Process June 2021. Collection method: clinical testing. Allele origin: germline. Affected: yes.
Comment: Not observed at significant frequency in large population cohorts (gnomAD); In silico analysis, which includes protein predictors and evolutionary conservation, supports a deleterious effect; Has not been previously published as pathogenic or benign to our knowledge